The following is an entry in ClinVar:

NM_002863.5(PYGL):c.1970-15T>A

Gene: PYGL (glycogen phosphorylase L; minus strand). Cytogenetic location: 14q22.1.
Variant type: single nucleotide variant.
Coding change: c.1970-15T>A on transcript NM_002863.5 (MANE Select); 15 bases into the intron before coding-DNA position 1970, T replaced by A.
Molecular consequence: intron variant.
Genome position (GRCh38, 1-based): chr14:50,910,117, A>T on the plus strand (T>A on the coding strand, the complement: PYGL is on the minus strand). VCF-style: chr14-50910117-A-T. GRCh37 (hg19) VCF-style: chr14-51376835-A-T.
Other names: c.1970-15T>A (NM_002863.4); c.1868-15T>A (NM_001163940.2).
Identifiers: ClinVar variation 1655866 (VCV001655866.10), dbSNP rs770476567, ClinGen allele CA7183261.

ClinVar aggregate classification (germline): Likely benign. Review status: criteria provided, single submitter (1 of 4 stars). 2 submissions from 2 submitters: Likely benign (1). 1 of the submissions does not count toward it. Last evaluated 2024-06-14.

Conditions:
PYGL-related disorder. Also called: PYGL-related condition.
Glycogen storage disease, type VI (GSD6). Also called: Glycogen storage disease type 6, due to phosphorylation; GSD VI; Glycogen storage disease type 6; Hepatic glycogen phosphorylase deficiency; HERS DISEASE; PHOSPHORYLASE DEFICIENCY GLYCOGEN-STORAGE DISEASE OF LIVER. Identifiers: Orphanet 369, MedGen C0017925, MONDO:0009294, OMIM 232700.

Allele frequency attached by ClinVar (database versions not stated): gnomAD 0.00001; gnomAD exomes 0.00003 and 0.00012; TOPMed 0.00004; ExAC 0.00007.
gnomAD v4.1: 46 of 1,601,456 alleles (0.0029%); highest among the groups gnomAD compares: Admixed American, 0.062%; no homozygotes.

Submissions (2):

Labcorp Genetics (formerly Invitae), Labcorp
Classification: Likely benign for Glycogen storage disease, type VI. Last evaluated: 2024-06-14. Review status: criteria provided, single submitter. Criteria: Invitae Variant Classification Sherloc (09022015). Collection method: clinical testing. Allele origin: germline.

PreventionGenetics, part of Exact Sciences
Classification: Likely benign for PYGL-related condition. Last evaluated: 2022-08-04. Review status: no assertion criteria provided. Collection method: clinical testing. Allele origin: germline. Not counted in ClinVar's aggregate classification.
Comment: This variant is classified as likely benign based on ACMG/AMP sequence variant interpretation guidelines (Richards et al. 2015 PMID: 25741868, with internal and published modifications).